The following is an entry in ClinVar:

ClinVar aggregate classification (germline): Pathogenic/Likely pathogenic. Review status: criteria provided, multiple submitters, no conflicts (2 of 4 stars). 4 submissions from 4 submitters: Pathogenic (2); Likely pathogenic (2). Last evaluated 2025-10-28.

Conditions:
Primary dilated cardiomyopathy (DCM). Also called: Dilated Cardiomyopathy. Identifiers: Orphanet 217604, MedGen C0007193, MeSH D002311, MONDO:0005021, HP:0001644. Inheritance: Various modes of inheritance.
Cardiovascular phenotype. Identifiers: MedGen CN230736.
Autosomal recessive limb-girdle muscular dystrophy type 2J (LGMDR10). Also called: Limb-girdle muscular dystrophy, type 2J; MUSCULAR DYSTROPHY, LIMB-GIRDLE, AUTOSOMAL RECESSIVE 10. Identifiers: Orphanet 140922, MedGen C1837342, MONDO:0012127, OMIM 608807.
Dilated cardiomyopathy 1G (CMD1G). Identifiers: Orphanet 154, MedGen C1858763, MONDO:0011400, OMIM 604145.

Allele frequency attached by ClinVar (database versions not stated): gnomAD exomes below 0.00001; TOPMed below 0.00001; ExAC 0.00001.

Submissions (4):

Labcorp Genetics (formerly Invitae), Labcorp
Classification: Pathogenic for Dilated cardiomyopathy 1G; Autosomal recessive limb-girdle muscular dystrophy type 2J. Last evaluated: 2025-10-28. Review status: criteria provided, single submitter. Criteria: Invitae Variant Classification Sherloc (09022015). Collection method: clinical testing. Allele origin: germline.
Comment: This sequence change creates a premature translational stop signal (p.Cys30086*) in the TTN gene. While this is not anticipated to result in nonsense mediated decay, it is expected to create a truncated TTN protein. This variant is present in population databases (rs773840992, gnomAD 0.006%). This premature translational stop signal has been observed in individual(s) with centronuclear myopathy (internal data). In at least one individual the data is consistent with being in trans (on the opposite chromosome) from a pathogenic variant. ClinVar contains an entry for this variant (Variation ID: 290469). This variant is located in the A band of TTN (PMID: 25589632). Truncating variants in this region are significantly overrepresented in patients affected with dilated cardiomyopathy (PMID: 25589632). Truncating variants in this region have also been reported in individuals affected with autosomal recessive centronuclear myopathy (PMID: 23975875). For these reasons, this variant has been classified as Pathogenic.

Clinical Genetics Laboratory, Skane University Hospital Lund
Classification: Pathogenic for Primary dilated cardiomyopathy. Last evaluated: 2025-02-20. Review status: criteria provided, single submitter. Criteria: ACMG Guidelines, 2015. Collection method: clinical testing. Allele origin: germline. Affected: yes.
Comment: ACMG criteria used: PVS1, PS4_Moderate, PM2_Strengthmodifier

Ambry Genetics
Classification: Likely pathogenic for Cardiovascular phenotype. Last evaluated: 2023-12-05. Review status: criteria provided, single submitter. Criteria: Ambry Variant Classification Scheme 2023. Collection method: clinical testing. Allele origin: germline.
Comment: The c.63060_63061delAT variant, located in coding exon 162 of the TTN gene, results from a deletion of two nucleotides at nucleotide positions 63060 to 63061, causing a translational frameshift with a predicted alternate stop codon (p.C21021*). This exon is located in the A-band region of the N2-B isoform of the titin protein and is constitutively expressed in TTN transcripts (percent spliced in or PSI 100%). This alteration is expected to result in loss of function by premature protein truncation or nonsense-mediated mRNA decay. While truncating variants in TTN are present in 1-3% of the general population, truncating variants in the A-band are the most common cause of dilated cardiomyopathy (DCM) (Herman DS et al. N. Engl. J. Med., 2012 Feb;366:619-28; Roberts AM et al. Sci Transl Med, 2015 Jan;7:270ra6). TTN truncating variants encoded in constitutive exons (PSI >90%) have been found to be significantly associated with DCM regardless of their position in titin (Schafer S et al. Nat. Genet., 2017 01;49:46-53). This variant is considered to be rare based on population cohorts in the Genome Aggregation Database (gnomAD). Based on the majority of available evidence to date, this variant is likely to be pathogenic.

Eurofins Ntd Llc (ga)
Classification: Likely pathogenic. Last evaluated: 2016-09-25. Review status: criteria provided, single submitter. Criteria: EGL Classification Definitions 2015. Collection method: clinical testing. Allele origin: germline. Observed: 1 variant allele, 1 heterozygote.

Literature cited by the submitters: PubMed 25589632 (cited by Labcorp Genetics (formerly Invitae), Labcorp); PubMed 23975875 (cited by Labcorp Genetics (formerly Invitae), Labcorp).

NC_000002.12:g.178552644_178552645del

Genes: TTN-AS1 (TTN antisense RNA 1; plus strand), TTN (titin; minus strand). Cytogenetic location: 2q31.2.
Variant type: Deletion.
Molecular consequence: frameshift variant (on NM_001267550.2).
Genome position: GRCh38 VCF-style: chr2-178552643-CAT-C. GRCh37 (hg19) VCF-style: chr2-179417370-CAT-C.
Other names: c.90255_90256delAT (NM_001267550.2); c.63060_63061delAT (NM_003319.4); c.85332_85333del, p.Thr28444_Cys28445insTer (NM_001256850.1); c.63060_63061del, p.Thr21020_Cys21021insTer (NM_003319.4); c.82551_82552del, p.Thr27517_Cys27518insTer (NM_133378.4); c.63435_63436del, p.Thr21145_Cys21146insTer (NM_133432.3); c.63636_63637del, p.Thr21212_Cys21213insTer (NM_133437.4).
Identifiers: ClinVar variation 290469 (VCV000290469.17), dbSNP rs773840992, ClinGen allele CA1987810.
Genomic context (GRCh38, chr2:178,552,643, plus strand): 5'-TTGGCAAACACTCTGAACTCCAGGACTGACTGCTCCTTAAGTTGGCTAACCTCAATTTCA[CAT>C]GTCTTACTTATGCCAGCGTGGGACCACGTCTGTTCACCTTTACCTTTCCTTTCTACAACA-3'